The following is an entry in ClinVar:

ClinVar aggregate classification (germline): Pathogenic (0 of 4 stars; one submission).

Conditions:
Fanconi anemia complementation group A (FANCA). Also called: Fanconi anemia, group A; FANCA-Related Fanconi Anemia. Identifiers: Orphanet 84, MedGen C3469521, MONDO:0009215, OMIM 227650.

Submission:

Leiden Open Variation Database
Classification: Pathogenic for Fanconi anemia complementation group A. Last evaluated: 2020-02-28. Review status: no assertion criteria provided. Collection method: curation. Allele origin: germline. Affected: yes.
Comment: Curator: Arleen D. Auerbach. Submitter to LOVD: Arleen D. Auerbach.

Literature cited by the submitters: PubMed 25168418.

NC_000016.10:g.88314822_88320369del

Genes: ZNF469 (zinc finger protein 469; plus strand), LOC112486220 (Sharpr-MPRA regulatory region 14328; plus strand). Cytogenetic location: 16q24.2.
Variant type: Deletion.
Genome position: GRCh38: chr16:88,314,822-88,320,369. GRCh37 (hg19): chr16:88,348,428-88,353,975.
Identifiers: ClinVar variation 974045 (VCV000974045.2), ClinGen allele CA1139664851.